The following is an entry in ClinVar:

NM_000077.5(CDKN2A):c.421A>G (p.Asn141Asp)

Gene: CDKN2A (cyclin dependent kinase inhibitor 2A; minus strand). Cytogenetic location: 9p21.3.
Variant type: single nucleotide variant.
Coding change: c.421A>G on transcript NM_000077.5; coding-DNA position 421, A replaced by G.
Protein change: p.Asn141Asp; replaces asparagine 141 with aspartic acid.
Molecular consequence: missense variant (on NM_000077.6). On other transcripts: 3 prime UTR variant (2).
Genome position (GRCh38, 1-based): chr9:21,970,938, T>C on the plus strand (A>G on the coding strand, the complement: CDKN2A is on the minus strand). VCF-style: chr9-21970938-T-C. GRCh37 (hg19) VCF-style: chr9-21970937-T-C.
Other names: c.421A>G, p.Asn141Asp (NM_000077.6, NM_001195132.2); c.268A>G, p.Asn90Asp (NM_001363763.2); c.*65A>G (NM_058195.4); c.*344A>G (NM_058197.5); short protein forms N141D, N90D.
Identifiers: ClinVar variation 631362 (VCV000631362.17), dbSNP rs1399873046, ClinGen allele CA373085873.

ClinVar aggregate classification (germline): Uncertain significance. Review status: criteria provided, multiple submitters, no conflicts (2 of 4 stars). 4 submissions from 4 submitters: Uncertain significance (4). Last evaluated 2024-08-29.

Conditions:
Hereditary cancer-predisposing syndrome. Also called: Tumor predisposition; Neoplastic Syndromes, Hereditary; Hereditary Cancer Syndrome; Hereditary neoplastic syndrome. Identifiers: Orphanet 140162, MedGen C0027672, MeSH D009386, MONDO:0015356.
Familial melanoma. Also called: Hereditary melanoma; Hereditary cutaneous melanoma. Identifiers: Orphanet 618, MedGen C1512419, MONDO:0018961.

Allele frequency attached by ClinVar (database versions not stated): gnomAD 0.00001.
gnomAD v4.1: 1 of 1,612,360 alleles (0.000062%); highest among the groups gnomAD compares: Non-Finnish European, 0.000085%; no homozygotes.

Submissions (4):

Labcorp Genetics (formerly Invitae), Labcorp
Classification: Uncertain significance for Familial melanoma. Last evaluated: 2024-08-29. Review status: criteria provided, single submitter. Criteria: Invitae Variant Classification Sherloc (09022015). Collection method: clinical testing. Allele origin: germline.
Comment: This sequence change replaces asparagine, which is neutral and polar, with aspartic acid, which is acidic and polar, at codon 141 of the CDKN2A (p16INK4a) protein (p.Asn141Asp). This variant is present in population databases (no rsID available, gnomAD 0.007%). This variant has not been reported in the literature in individuals affected with CDKN2A (p16INK4a)-related conditions. ClinVar contains an entry for this variant (Variation ID: 631362). An algorithm developed to predict the effect of missense changes on protein structure and function outputs the following: PolyPhen-2: "Benign". The aspartic acid amino acid residue is found in multiple mammalian species, which suggests that this missense change does not adversely affect protein function. Experimental studies are conflicting or provide insufficient evidence to determine the effect of this variant on CDKN2A (p16INK4a) function (PMID: 8573142). In summary, the available evidence is currently insufficient to determine the role of this variant in disease. Therefore, it has been classified as a Variant of Uncertain Significance.

GeneDx
Classification: Uncertain significance. Last evaluated: 2024-07-26. Review status: criteria provided, single submitter. Criteria: GeneDx Variant Classification Process June 2021. Collection method: clinical testing. Allele origin: germline. Affected: yes.
Comment: Not observed at significant frequency in large population cohorts (gnomAD); In silico analysis indicates that this missense variant does not alter protein structure/function; Has not been previously published as pathogenic or benign to our knowledge; This variant is associated with the following publications: (PMID: 8573142)

Ambry Genetics
Classification: Uncertain significance for Hereditary cancer-predisposing syndrome. Last evaluated: 2023-03-21. Review status: criteria provided, single submitter. Criteria: Ambry Variant Classification Scheme 2023. Collection method: clinical testing. Allele origin: germline.
Comment: The p.N141D variant (also known as c.421A>G), located in coding exon 2 of the CDKN2A gene, results from an A to G substitution at nucleotide position 421. The asparagine at codon 141 is replaced by aspartic acid, an amino acid with highly similar properties. This amino acid position is poorly conserved in available vertebrate species. In addition, this alteration is predicted to be tolerated by in silico analysis. Since supporting evidence is limited at this time, the clinical significance of this alteration remains unclear.

Color Diagnostics, LLC DBA Color Health
Classification: Uncertain significance for Hereditary cancer-predisposing syndrome. Last evaluated: 2018-08-17. Review status: criteria provided, single submitter. Criteria: ACMG Guidelines, 2015. Collection method: clinical testing. Allele origin: germline.

Literature cited by the submitters: PubMed 8573142 (cited by Labcorp Genetics (formerly Invitae), Labcorp).